The following is an entry in ClinVar:

NM_001042492.3(NF1):c.3668T>C (p.Ile1223Thr)

Gene: NF1 (neurofibromin 1; plus strand). Cytogenetic location: 17q11.2.
Variant type: single nucleotide variant.
Coding change: c.3668T>C on transcript NM_001042492.3 (MANE Select); coding-DNA position 3668, T replaced by C.
Protein change: p.Ile1223Thr; replaces isoleucine 1223 with threonine.
Molecular consequence: missense variant.
Genome position (GRCh38, 1-based): chr17:31,233,173, T>C. VCF-style: chr17-31233173-T-C. GRCh37 (hg19) VCF-style: chr17-29560191-T-C.
Other names: c.3668T>C, p.Ile1223Thr (NM_000267.4); short protein forms I1223T.
Identifiers: ClinVar variation 2452211 (VCV002452211.3), dbSNP rs1555615091, ClinGen allele CA398990556.

ClinVar aggregate classification (germline): Uncertain significance. Review status: criteria provided, multiple submitters, no conflicts (2 of 4 stars). 2 submissions from 2 submitters: Uncertain significance (2). Last evaluated 2026-01-30.

Conditions:
Cardiovascular phenotype. Identifiers: MedGen CN230736.
Hereditary cancer-predisposing syndrome. Also called: Hereditary Cancer Syndrome; Hereditary neoplastic syndrome; Neoplastic Syndromes, Hereditary; Tumor predisposition. Identifiers: Orphanet 140162, MedGen C0027672, MeSH D009386, MONDO:0015356.

Submissions (2):

GeneDx
Classification: Uncertain significance. Last evaluated: 2026-01-30. Review status: criteria provided, single submitter. Criteria: GeneDx Variant Classification Process June 2021. Collection method: clinical testing. Allele origin: germline.
Comment: Not observed at significant frequency in large population cohorts (gnomAD); In silico analysis supports that this missense variant has a deleterious effect on protein structure/function; Has not been previously published as pathogenic or benign to our knowledge; This variant is associated with the following publications: (PMID: 25486365, 22807134)

Ambry Genetics
Classification: Uncertain significance for Cardiovascular phenotype; Hereditary cancer-predisposing syndrome. Last evaluated: 2022-11-13. Review status: criteria provided, single submitter. Criteria: Ambry Variant Classification Scheme 2023. Collection method: clinical testing. Allele origin: germline.
Comment: The p.I1223T variant (also known as c.3668T>C), located in coding exon 27 of the NF1 gene, results from a T to C substitution at nucleotide position 3668. The isoleucine at codon 1223 is replaced by threonine, an amino acid with similar properties. This amino acid position is conserved. In addition, this alteration is predicted to be deleterious by in silico analysis. Since supporting evidence is limited at this time, the clinical significance of this alteration remains unclear.